The following is an entry in ClinVar:

NM_001453.3(FOXC1):c.1244C>T (p.Ala415Val)

Gene: FOXC1 (forkhead box C1; plus strand). Cytogenetic location: 6p25.3.
Variant type: single nucleotide variant.
Coding change: c.1244C>T on transcript NM_001453.3 (MANE Select); coding-DNA position 1244, C replaced by T.
Protein change: p.Ala415Val; replaces alanine 415 with valine.
Molecular consequence: missense variant.
Genome position (GRCh38, 1-based): chr6:1,611,689, C>T. VCF-style: chr6-1611689-C-T. GRCh37 (hg19) VCF-style: chr6-1611924-C-T.
Other names: short protein forms A415V.
Identifiers: ClinVar variation 2634271 (VCV002634271.1), dbSNP rs1254784233, ClinGen allele CA362560522.

ClinVar aggregate classification (germline): Uncertain significance (1 of 4 stars; one submission).

Conditions:
FOXC1-related disorder. Also called: FOXC1-related condition.

Allele frequency attached by ClinVar (database versions not stated): gnomAD exomes 0.00001; TOPMed 0.00001.

Submission:

PreventionGenetics, part of Exact Sciences
Classification: Uncertain significance for FOXC1-related condition. Last evaluated: 2023-05-27. Review status: criteria provided, single submitter. Criteria: ACMG Guidelines, 2015. Collection method: clinical testing. Allele origin: germline.
Comment: The FOXC1 c.1244C>T variant is predicted to result in the amino acid substitution p.Ala415Val. To our knowledge, this variant has not been reported in the literature or in a large population database, indicating this variant is rare. At this time, the clinical significance of this variant is uncertain due to the absence of conclusive functional and genetic evidence.